The following is an entry in ClinVar:

ClinVar aggregate classification (germline): Likely pathogenic. Review status: criteria provided, multiple submitters, no conflicts (2 of 4 stars). 2 submissions from 2 submitters: Likely pathogenic (2). Last evaluated 2023-12-01.

Conditions:
X-linked Alport syndrome (ATS1). Also called: COL4A5-Related Nephropathy; NEPHROPATHY AND DEAFNESS, X-LINKED. Identifiers: Orphanet 63, Orphanet 88917, MedGen C4746986, MONDO:0010520, OMIM 301050.

Submissions (2):

Precision Medicine Center, Zhengzhou University
Classification: Likely pathogenic for X-linked Alport syndrome. Last evaluated: 2023-12-01. Review status: criteria provided, single submitter. Criteria: ACMG Guidelines, 2015. Collection method: clinical testing. Allele origin: de novo. Affected: yes.
Comment: PVS1,PM2_p

Myriad Genetics, Inc.
Classification: Likely pathogenic for X-linked Alport syndrome. Last evaluated: 2022-03-21. Review status: criteria provided, single submitter. Criteria: Myriad Women's Health Autosomal Recessive and X-Linked Classification Criteria (2021). Collection method: clinical testing. Allele origin: unknown.
Comment: NM_000495.4(COL4A5):c.703C>T(Q235*) is expected to be pathogenic in the context of X-linked Alport syndrome. This variant is predicted to lead to an abnormal or absent protein product due to the creation of a premature termination codon in COL4A5, a gene where loss-of-function variants are known to be pathogenic. Please note: this variant was assessed in the context of healthy population screening.

NM_033380.3(COL4A5):c.703C>T (p.Gln235Ter)

Gene: COL4A5 (collagen type IV alpha 5 chain; plus strand). Cytogenetic location: Xq22.3.
Variant type: single nucleotide variant.
Coding change: c.703C>T on transcript NM_033380.3 (MANE Select); coding-DNA position 703, C replaced by T.
Protein change: p.Gln235Ter; replaces glutamine 235 with a stop codon.
Molecular consequence: nonsense.
Genome position (GRCh38, 1-based): chrX:108,578,306, C>T. VCF-style: chrX-108578306-C-T. GRCh37 (hg19) VCF-style: chrX-107821536-C-T.
Other names: c.703C>T, p.Gln235Ter (NM_000495.5); short protein forms Q235*.
Identifiers: ClinVar variation 1725442 (VCV001725442.4), dbSNP rs2524235917, ClinGen allele CA413924093.